The following is an entry in ClinVar:

ClinVar aggregate classification (germline): Uncertain significance (1 of 4 stars; one submission).

Conditions:
Arrhythmogenic cardiomyopathy with wooly hair and keratoderma. Also called: Carvajal syndrome; PALMOPLANTAR KERATODERMA WITH LEFT VENTRICULAR CARDIOMYOPATHY AND WOOLLY HAIR; Dilated cardiomyopathy with woolly hair and keratoderma; Arrhythmogenic cardiomyopathy with woolly hair and keratoderma. Identifiers: Orphanet 65282, MedGen C1854063, MONDO:0011581, OMIM 605676.

Submission:

All of Us Research Program, National Institutes of Health
Classification: Uncertain significance for Arrhythmogenic cardiomyopathy with wooly hair and keratoderma. Last evaluated: 2023-03-28. Review status: criteria provided, single submitter. Criteria: ACMG Guidelines, 2015. Collection method: clinical testing. Allele origin: germline. Inheritance: Autosomal dominant inheritance. Observed: 1 variant allele, 1 heterozygote.
Comment: This study involves interpretation of variants in research participants for the purpose of population health screening. Participant phenotype was not available at the time of variant classification. Additional details can be found in publication PMID: 35346344, PMCID: PMC8962531

NM_004415.4(DSP):c.3913G>A (p.Asp1305Asn)

Gene: DSP (desmoplakin; plus strand). Cytogenetic location: 6p24.3.
Variant type: single nucleotide variant.
Coding change: c.3913G>A on transcript NM_004415.4 (MANE Select); coding-DNA position 3913, G replaced by A.
Protein change: p.Asp1305Asn; replaces aspartic acid 1305 with asparagine.
Molecular consequence: missense variant. On other transcripts: intron variant (1).
Genome position (GRCh38, 1-based): chr6:7,580,103, G>A. VCF-style: chr6-7580103-G-A. GRCh37 (hg19) VCF-style: chr6-7580336-G-A.
Other names: c.3913G>A, p.Asp1305Asn (NM_001319034.2); c.3582+331G>A (NM_001008844.3); short protein forms D1305N.
Identifiers: ClinVar variation 3069956 (VCV003069956.1), dbSNP rs2533926585, ClinGen allele CA362685131.